The following is an entry in ClinVar:

ClinVar aggregate classification (germline): Uncertain significance (1 of 4 stars; one submission).

Submission:

Labcorp Genetics (formerly Invitae), Labcorp
Classification: Uncertain significance. Last evaluated: 2019-11-18. Review status: criteria provided, single submitter. Criteria: Invitae Variant Classification Sherloc (09022015). Collection method: clinical testing. Allele origin: germline.
Comment: In summary, the available evidence is currently insufficient to determine the role of this variant in disease. Therefore, it has been classified as a Variant of Uncertain Significance. Algorithms developed to predict the effect of missense changes on protein structure and function are either unavailable or do not agree on the potential impact of this missense change (SIFT: "Deleterious"; PolyPhen-2: "Possibly Damaging"; Align-GVGD: "Class C0"). This variant has not been reported in the literature in individuals with MSH3-related conditions. This variant is not present in population databases (ExAC no frequency). This sequence change replaces lysine with glutamic acid at codon 738 of the MSH3 protein (p.Lys738Glu). The lysine residue is moderately conserved and there is a small physicochemical difference between lysine and glutamic acid.

NM_002439.5(MSH3):c.2212A>G (p.Lys738Glu)

Gene: MSH3 (mutS homolog 3; plus strand). Cytogenetic location: 5q14.1.
Variant type: single nucleotide variant.
Coding change: c.2212A>G on transcript NM_002439.5 (MANE Select); coding-DNA position 2212, A replaced by G.
Protein change: p.Lys738Glu; replaces lysine 738 with glutamic acid.
Molecular consequence: missense variant.
Genome position (GRCh38, 1-based): chr5:80,768,962, A>G. VCF-style: chr5-80768962-A-G. GRCh37 (hg19) VCF-style: chr5-80064781-A-G.
Other names: short protein forms K738E.
Identifiers: ClinVar variation 858983 (VCV000858983.9), dbSNP rs1580035037, ClinGen allele CA360279657.
Genomic context (GRCh38, chr5:80,768,962, plus strand): 5'-GAAATTCAAGGTGTTATTGACGAGATCCGAATGCATTTGCAAGAAATACGAAAAATACTA[A>G]AAAATCCTTCTGCACAATATGTGACAGTATCAGGACAGGAGGTAATGTCAAGCTTACTTT-3'
Protein context (NP_002430.3, residues 728-748): MHLQEIRKIL[Lys738Glu]NPSAQYVTVS